The following is an entry in ClinVar:

NM_001429.4(EP300):c.5147G>C (p.Ser1716Thr)

Gene: EP300 (EP300 lysine acetyltransferase; plus strand). Cytogenetic location: 22q13.2.
Variant type: single nucleotide variant.
Coding change: c.5147G>C on transcript NM_001429.4 (MANE Select); coding-DNA position 5147, G replaced by C.
Protein change: p.Ser1716Thr; replaces serine 1716 with threonine.
Molecular consequence: missense variant.
Genome position (GRCh38, 1-based): chr22:41,176,858, G>C. VCF-style: chr22-41176858-G-C. GRCh37 (hg19) VCF-style: chr22-41572862-G-C.
Other names: c.5069G>C, p.Ser1690Thr (NM_001362843.2); short protein forms S1716T, S1690T.
Identifiers: ClinVar variation 134056 (VCV000134056.41), dbSNP rs147676363, ClinGen allele CA158522.

ClinVar aggregate classification (germline): Benign/Likely benign. Review status: criteria provided, multiple submitters, no conflicts (2 of 4 stars). 7 submissions from 7 submitters: Benign (2); Likely benign (3). 2 of the submissions do not count toward it. Last evaluated 2025-11-17.

Conditions:
EP300-related disorder. Also called: EP300-related disorders; EP300-related condition.
Rubinstein-Taybi syndrome due to EP300 haploinsufficiency. Also called: RUBINSTEIN-TAYBI SYNDROME 2; EP300-Related Rubinstein-Taybi Syndrome. Identifiers: Orphanet 353284, Orphanet 783, MedGen C3150941, MONDO:0013364, OMIM 613684.

Allele frequency attached by ClinVar (database versions not stated): gnomAD exomes 0.00029; ExAC 0.00039; 1000 Genomes Project 30x 0.00078; 1000 Genomes Project 0.00080; ESP Exome Variant Server 0.00100; gnomAD 0.00103 and 0.00112; TOPMed 0.00121.
gnomAD v4.1: 317 of 1,614,094 alleles (0.02%); highest among the groups gnomAD compares: African/African-American, 0.39%; no homozygotes.

Submissions (7):

Labcorp Genetics (formerly Invitae), Labcorp
Classification: Benign for Rubinstein-Taybi syndrome due to EP300 haploinsufficiency. Last evaluated: 2025-11-17. Review status: criteria provided, single submitter. Criteria: Invitae Variant Classification Sherloc (09022015). Collection method: clinical testing. Allele origin: germline.

CeGaT Center for Human Genetics Tuebingen
Classification: Likely benign. Last evaluated: 2025-11-01. Review status: criteria provided, single submitter. Criteria: CeGaT Center For Human Genetics Tuebingen Variant Classification Criteria Version 2. Collection method: clinical testing. Allele origin: germline. Affected: yes. Observed: 2 variant alleles.
Comment: EP300: BS1

Blueprint Genetics
Classification: Likely benign. Last evaluated: 2023-02-01. Review status: criteria provided, single submitter. Criteria: ACMG Guidelines, 2015. Collection method: clinical testing. Allele origin: germline.

GeneDx
Classification: Benign. Last evaluated: 2020-02-14. Review status: criteria provided, single submitter. Criteria: GeneDx Variant Classification Process June 2021. Collection method: clinical testing. Allele origin: germline. Affected: yes.
Comment: This variant is associated with the following publications: (PMID: 24728327)

Eurofins Ntd Llc (ga)
Classification: Likely benign. Last evaluated: 2018-01-26. Review status: criteria provided, single submitter. Criteria: EGL Classification Definitions 2015. Collection method: clinical testing. Allele origin: germline. Observed: 1 variant allele, 1 heterozygote.

PreventionGenetics, part of Exact Sciences
Classification: Likely benign for EP300-related condition. Last evaluated: 2021-06-18. Review status: no assertion criteria provided. Collection method: clinical testing. Allele origin: germline. Not counted in ClinVar's aggregate classification.
Comment: This variant is classified as likely benign based on ACMG/AMP sequence variant interpretation guidelines (Richards et al. 2015 PMID: 25741868, with internal and published modifications).

ITMI
No classification provided. Condition: AllHighlyPenetrant. Last evaluated: 2013-09-19. Review status: no classification provided. Collection method: reference population. Allele origin: germline. Not counted in ClinVar's aggregate classification.
Comment: Please see associated publication for description of ethnicities

Literature cited by the submitters: PubMed 24728327 (cited by ITMI).